The following is an entry in ClinVar:

ClinVar aggregate classification (germline): Uncertain significance. Review status: criteria provided, multiple submitters, no conflicts (2 of 4 stars). 2 submissions from 2 submitters: Uncertain significance (2). Last evaluated 2025-09-30.

Conditions:
Hypertrophic cardiomyopathy 1 (CMH1). Also called: Familial hypertrophic cardiomyopathy 1; MYH7-Related Familial Hypertrophic Cardiomyopathy. Identifiers: MedGen C3495498, MONDO:0008647, OMIM 192600.

Allele frequency attached by ClinVar (database versions not stated): gnomAD 0.00001.
gnomAD v4.1: 17 of 1,614,022 alleles (0.0011%); highest among the groups gnomAD compares: Non-Finnish European, 0.0014%; no homozygotes.

Submissions (2):

Labcorp Genetics (formerly Invitae), Labcorp
Classification: Uncertain significance for Hypertrophic cardiomyopathy 1. Last evaluated: 2025-09-30. Review status: criteria provided, single submitter. Criteria: Invitae Variant Classification Sherloc (09022015). Collection method: clinical testing. Allele origin: germline.
Comment: This sequence change replaces glutamic acid, which is acidic and polar, with glutamine, which is neutral and polar, at codon 512 of the MYLK2 protein (p.Glu512Gln). This variant is present in population databases (rs767857271, gnomAD 0.005%). This missense change has been observed in individual(s) with unexplained cardiac arrest (PMID: 35352813). ClinVar contains an entry for this variant (Variation ID: 1006478). Invitae Evidence Modeling of protein sequence and biophysical properties (such as structural, functional, and spatial information, amino acid conservation, physicochemical variation, residue mobility, and thermodynamic stability) indicates that this missense variant is not expected to disrupt MYLK2 protein function with a negative predictive value of 80%. In summary, the available evidence is currently insufficient to determine the role of this variant in disease. Therefore, it has been classified as a Variant of Uncertain Significance.

GeneDx
Classification: Uncertain significance. Last evaluated: 2022-04-27. Review status: criteria provided, single submitter. Criteria: GeneDx Variant Classification Process June 2021. Collection method: clinical testing. Allele origin: germline. Affected: yes.
Comment: Has not been previously published as pathogenic or benign to our knowledge; In silico analysis supports that this missense variant has a deleterious effect on protein structure/function

Literature cited by the submitters: PubMed 35352813 (cited by Labcorp Genetics (formerly Invitae), Labcorp).

NM_033118.4(MYLK2):c.1534G>C (p.Glu512Gln)

Gene: MYLK2 (myosin light chain kinase 2; plus strand). Cytogenetic location: 20q11.21.
Variant type: single nucleotide variant.
Coding change: c.1534G>C on transcript NM_033118.4 (MANE Select); coding-DNA position 1534, G replaced by C.
Protein change: p.Glu512Gln; replaces glutamic acid 512 with glutamine.
Molecular consequence: missense variant.
Genome position (GRCh38, 1-based): chr20:31,831,812, G>C. VCF-style: chr20-31831812-G-C. GRCh37 (hg19) VCF-style: chr20-30419615-G-C.
Other names: short protein forms E512Q.
Identifiers: ClinVar variation 1006478 (VCV001006478.10), dbSNP rs767857271, ClinGen allele CA9803249.